The following is an entry in ClinVar:

ClinVar aggregate classification (germline): Likely pathogenic (1 of 4 stars; one submission).

Conditions:
Joubert syndrome and related disorders. Identifiers: Orphanet 140874, MedGen C5679612, MONDO:0015369.

Submission:

Women's Health and Genetics/Laboratory Corporation of America, LabCorp
Classification: Likely pathogenic for Joubert syndrome and related disorders. Last evaluated: 2023-02-24. Review status: criteria provided, single submitter. Criteria: LabCorp Variant Classification Summary - May 2015. Collection method: clinical testing. Allele origin: germline.
Comment: Variant summary: INPP5E c.1844_1846delinsGAA (p.Leu615X) results in a premature termination codon, predicted to cause a truncation of the encoded protein or absence of the protein due to nonsense mediated decay, which are commonly known mechanisms for disease. Truncations downstream of this position have been classified as pathogenic in Clinvar and associated with Joubert syndrome and MORM syndrome in HGMD. The variant was absent in 157454 control chromosomes. To our knowledge, no occurrence of c.1844_1846delinsGAA in individuals affected with Joubert Syndrome And Related Disorders and no experimental evidence demonstrating its impact on protein function have been reported. No clinical diagnostic laboratories have submitted clinical-significance assessments for this variant to ClinVar after 2014. Based on the evidence outlined above, the variant was classified as likely pathogenic.

NM_019892.6(INPP5E):c.1844_1846delinsGAA (p.Leu615_Leu616delinsTer)

Gene: INPP5E (inositol polyphosphate-5-phosphatase E; minus strand). Cytogenetic location: 9q34.3.
Variant type: Indel.
Coding change: c.1844_1846delinsGAA on transcript NM_019892.6 (MANE Select); coding-DNA positions 1844 to 1846, TAC replaced by GAA.
Protein change: p.Leu615_Leu616delinsTer.
Molecular consequence: nonsense.
Genome position (GRCh38, 1-based): chr9:136,429,764-136,429,766, GTA replaced by TTC on the plus strand (TAC replaced by GAA on the coding strand, the reverse complement: INPP5E is on the minus strand). VCF-style: chr9-136429764-GTA-TTC. GRCh37 (hg19) VCF-style: chr9-139324216-GTA-TTC.
Other names: c.1841_1843delinsGAA, p.Leu614_Leu615delinsTer (NM_001318502.2); c.1844_1846delinsGAA (NM_019892.5).
Identifiers: ClinVar variation 2445960 (VCV002445960.1), dbSNP rs2538869723, ClinGen allele CA2580080891.
Genomic context (GRCh38, chr9:136,429,764, plus strand): 5'-TCTGACTCTGTAGTGCTTGCTGCCTCTGAATCTCCTTCGAAATCCGTCTTTTAATTCCTA[GTA>TTC]AGTACAGTTCTCTATCAAATTTGCCAGCTGCCAACGGAATGCTGTGGAGGAGGAGGGGGC-3'